The following is an entry in ClinVar:

ClinVar aggregate classification (germline): association (0 of 4 stars; one submission).

Conditions:
Inflammatory bowel disease 1 (IBD1). Also called: Inflammatory bowel disease 1, Crohn disease; INFLAMMATORY BOWEL DISEASE (CROHN DISEASE) 1. Identifiers: MedGen CN260071, MONDO:0009960, OMIM 266600.

Allele frequency attached by ClinVar (database versions not stated): gnomAD exomes below 0.00001; gnomAD 0.00001; TOPMed 0.00001; ESP Exome Variant Server 0.00008.

Submission:

Human Development and Health, University of Southampton
Classification: association for Inflammatory bowel disease 1. Last evaluated: 2016-08-06. Review status: no assertion criteria provided. Collection method: research. Allele origin: inherited. Affected: yes. Study: Southampton Paediatric IBD Study.
Comment: HSPA1L Dominant negative effects - Our results indicate that de novo and rare mutations in HSPA1L are associated with IBD and provide insights into the pathogenesis of IBD

Literature cited by the submitters: PubMed 28126021.

NM_005527.4(HSPA1L):c.229G>A (p.Gly77Ser)

Gene: HSPA1L (heat shock protein family A (Hsp70) member 1 like; minus strand). Cytogenetic location: 6p21.33.
Variant type: single nucleotide variant.
Coding change: c.229G>A on transcript NM_005527.4 (MANE Select); coding-DNA position 229, G replaced by A.
Protein change: p.Gly77Ser; replaces glycine 77 with serine.
Molecular consequence: missense variant.
Genome position (GRCh38, 1-based): chr6:31,811,744, C>T on the plus strand (G>A on the coding strand, the complement: HSPA1L is on the minus strand). VCF-style: chr6-31811744-C-T. GRCh37 (hg19) VCF-style: chr6-31779521-C-T.
Other names: short protein forms G77S.
Identifiers: ClinVar variation 372134 (VCV000372134.4), dbSNP rs368138379, ClinGen allele CA136890474.